The following is an entry in ClinVar:

ClinVar aggregate classification (germline): Uncertain significance (1 of 4 stars; one submission).

gnomAD v4.1: 1 of 1,526,068 alleles (0.000066%); highest among the groups gnomAD compares: Non-Finnish European, 0.000087%; no homozygotes.

Submission:

Ambry Genetics
Classification: Uncertain significance. Last evaluated: 2024-12-07. Review status: criteria provided, single submitter. Criteria: Ambry Variant Classification Scheme 2023. Collection method: clinical testing. Allele origin: germline.
Comment: The p.L143F variant (also known as c.427C>T), located in coding exon 1 of the PALLD gene, results from a C to T substitution at nucleotide position 427. The leucine at codon 143 is replaced by phenylalanine, an amino acid with highly similar properties. This amino acid position is conserved. In addition, this alteration is predicted to be tolerated by in silico analysis. Based on the available evidence, the clinical significance of this variant remains unclear.

NM_001166108.2(PALLD):c.1965-12604C>T

Gene: PALLD (palladin, cytoskeletal associated protein; plus strand). Cytogenetic location: 4q32.3.
Variant type: single nucleotide variant.
Coding change: c.1965-12604C>T on transcript NM_001166108.2 (MANE Select); 12604 bases into the intron before coding-DNA position 1965, C replaced by T.
Molecular consequence: intron variant. On other transcripts: missense variant (1).
Genome position (GRCh38, 1-based): chr4:168,878,318, C>T. VCF-style: chr4-168878318-C-T. GRCh37 (hg19) VCF-style: chr4-169799469-C-T.
Other names: c.427C>T, p.Leu143Phe (NM_001166110.2); c.1965-12604C>T (NM_016081.4); c.819-12604C>T (NM_001166109.2); c.-157-12604C>T (NM_001367570.1, NM_001367568.1, NM_001367567.1 and 1 more transcripts); short protein forms L143F.
Identifiers: ClinVar variation 3413721 (VCV003413721.1).
Genomic context (GRCh38, chr4:168,878,318, plus strand): 5'-GCGTCCCACTGCTCGTCGCCTGCCACCCGCTTCGGCCACAGCCAGACGCCCGCGGCCTTC[C>T]TCAGCGCTCTGCTGCCCTCGCAGCCGCCGCCGGCGGCCGTCAACGCCCTGGGGCTGCCCA-3'